The following is an entry in ClinVar:

ClinVar aggregate classification (germline): Uncertain significance. Review status: criteria provided, multiple submitters, no conflicts (2 of 4 stars). 2 submissions from 2 submitters: Uncertain significance (2). Last evaluated 2025-03-12.

Conditions:
Hereditary spastic paraplegia 74. Also called: Spastic paraplegia 74, autosomal recessive. Identifiers: Orphanet 468661, MedGen C5568837, MONDO:0014644, OMIM 616451.
Multiple mitochondrial dysfunctions syndrome 3 (MMDS3). Identifiers: Orphanet 363424, MedGen C3809165, MONDO:0014132, OMIM 615330.

Allele frequency attached by ClinVar (database versions not stated): ExAC 0.00001; gnomAD exomes 0.00001.

Submissions (2):

GeneDx
Classification: Uncertain significance. Last evaluated: 2025-03-12. Review status: criteria provided, single submitter. Criteria: GeneDx Variant Classification Process June 2021. Collection method: clinical testing. Allele origin: germline. Affected: yes.
Comment: Not observed at significant frequency in large population cohorts (gnomAD); In silico analysis supports that this missense variant has a deleterious effect on protein structure/function; Has not been previously published as pathogenic or benign to our knowledge

Labcorp Genetics (formerly Invitae), Labcorp
Classification: Uncertain significance for Multiple mitochondrial dysfunctions syndrome 3; Hereditary spastic paraplegia 74. Last evaluated: 2024-10-24. Review status: criteria provided, single submitter. Criteria: Invitae Variant Classification Sherloc (09022015). Collection method: clinical testing. Allele origin: germline.
Comment: This sequence change replaces glycine, which is neutral and non-polar, with arginine, which is basic and polar, at codon 214 of the IBA57 protein (p.Gly214Arg). This variant is present in population databases (rs767607200, gnomAD 0.001%). This variant has not been reported in the literature in individuals affected with IBA57-related conditions. ClinVar contains an entry for this variant (Variation ID: 2149096). Invitae Evidence Modeling of protein sequence and biophysical properties (such as structural, functional, and spatial information, amino acid conservation, physicochemical variation, residue mobility, and thermodynamic stability) indicates that this missense variant is not expected to disrupt IBA57 protein function with a negative predictive value of 80%. In summary, the available evidence is currently insufficient to determine the role of this variant in disease. Therefore, it has been classified as a Variant of Uncertain Significance.

NM_001010867.4(IBA57):c.640G>A (p.Gly214Arg)

Gene: IBA57 (iron-sulfur cluster assembly factor IBA57; plus strand). Cytogenetic location: 1q42.13.
Variant type: single nucleotide variant.
Coding change: c.640G>A on transcript NM_001010867.4 (MANE Select); coding-DNA position 640, G replaced by A.
Protein change: p.Gly214Arg; replaces glycine 214 with arginine.
Molecular consequence: missense variant.
Genome position (GRCh38, 1-based): chr1:228,174,990, G>A. VCF-style: chr1-228174990-G-A. GRCh37 (hg19) VCF-style: chr1-228362691-G-A.
Other names: c.640G>A (NM_001010867.2); c.61G>A, p.Gly21Arg (NM_001310327.2); short protein forms G214R, G21R.
Identifiers: ClinVar variation 2149096 (VCV002149096.5), dbSNP rs767607200, ClinGen allele CA1431204.